The following continues an entry in ClinVar:

NM_000059.4(BRCA2):c.6513G>C (p.Val2171=)

Gene: BRCA2. ClinVar aggregate classification (germline): Benign. Benign (1). ClinVar aggregate classification (somatic clinical impact): Tier IV - Benign/Likely benign.

Submissions 22 to 32 of 32:

Women's Health and Genetics/Laboratory Corporation of America, LabCorp
Classification: Benign for Hereditary breast ovarian cancer syndrome. Last evaluated: 2013-12-20. Review status: criteria provided, single submitter. Criteria: LabCorp Variant Classification Summary - May 2015. Collection method: clinical testing. Allele origin: germline. Not counted in ClinVar's aggregate classification.

Breakthrough Genomics
Classification: Benign. Review status: criteria provided, single submitter. Criteria: ACMG Guidelines, 2015. Collection method: not provided. Allele origin: germline. Inheritance: Autosomal recessive inheritance. Affected: yes. Not counted in ClinVar's aggregate classification.

GreenArray Genomic Research & Solutions of Accurate Diagnostic Private Limited
Classification: Benign for Breast-ovarian cancer, familial, susceptibility to, 2. Review status: criteria provided, single submitter. Criteria: ACMG Guidelines, 2015. Collection method: clinical testing. Allele origin: germline. Affected: no. Not counted in ClinVar's aggregate classification.

PreventionGenetics, part of Exact Sciences
Classification: Benign. Review status: criteria provided, single submitter. Criteria: ACMG Guidelines, 2015. Collection method: clinical testing. Allele origin: germline. Not counted in ClinVar's aggregate classification.

Mayo Clinic Laboratories, Mayo Clinic
Classification: Benign. Last evaluated: 2016-11-28. Review status: no assertion criteria provided. Collection method: clinical testing. Allele origin: unknown. Not counted in ClinVar's aggregate classification.

Counsyl
Classification: Benign for Breast-ovarian cancer, familial 2. Last evaluated: 2014-01-02. Review status: no assertion criteria provided. Collection method: literature only. Allele origin: unknown. Inheritance: Autosomal dominant inheritance. Not counted in ClinVar's aggregate classification.
Comment: High frequency in a 1kG or ESP population: 99.9 %. This submission and the accompanying classification are no longer maintained by the submitter.

Clinical Genetics Laboratory, Department of Pathology, Netherlands Cancer Institute
Classification: Benign. Review status: no assertion criteria provided. Collection method: clinical testing. Allele origin: germline. Affected: yes. Study: VKGL Data-share Consensus. Not counted in ClinVar's aggregate classification.

Department of Pathology and Laboratory Medicine, Sinai Health System
Classification: Benign for Malignant tumor of breast. Review status: no assertion criteria provided. Collection method: clinical testing. Allele origin: unknown. Affected: yes. Study: The Canadian Open Genetics Repository (COGR). Not counted in ClinVar's aggregate classification.
Comment: The p.Val2171Val variant has been identified in 8 out of 888 proband chromosomes (frequency 0.009) in individuals with breast and ovarian cancer phenotype, and also identified in 16 of 438 control chromosomes (frequency 0.037), therefore increasing the likelihood of this variant to be benign (Wagner 1999, Fackenthal 2005, Manguoglu 2001, Giannini 2006, Morgan 2010). This variant is also listed in dbSNP database as coming from a "clinical source" (ID#: rs206076) with an average heterozygosity of 0.061+/-0.164 in diverse human population, further suggesting the benign nature of this variant. This variant is not expected to have clinical significance because it does not alter an amino acid residue, and is not located near a splice junction, and in the UMD database, it has been identified in 11 (out of 48) individuals with breast or ovarian cancers, where a second pathogenic BRCA1 or BRCA2 mutation was also detected. In addition, Myriad genetics has reported this variant as a polymorphism increasing the likelihood this variant is benign (personal communication). In summary, based on the above information, this variant is classified as benign

Diagnostic Laboratory, Department of Genetics, University Medical Center Groningen
Classification: Benign for Breast-ovarian cancer, familial, susceptibility to, 2. Review status: no assertion criteria provided. Collection method: clinical testing. Allele origin: germline. Affected: yes. Study: VKGL Data-share Consensus. Not counted in ClinVar's aggregate classification.

Faculté Pluridciplinaire Nador, Université Mohamed Premier
Classification: Tier IV - Benign/Likely benign for Familial cancer of breast. Review status: no assertion criteria provided. Collection method: research. Allele origin: somatic. Affected: yes.
Comment: The following databases and algorithms are used to annotate and evaluate the impact of the variant in the context of human disease: 1000 genomes, gnomAD, ClinVar, OMIM, dbSNP, NCIB RefSeq Genes, ExAC Gene Constraints, VS-SIFT, VS-PolyPhen2, PhyloP, GERP++, GeneSplicer, MaxEntScan, NNSplice, PWM Splice Predictor.

Joint Genome Diagnostic Labs from Nijmegen and Maastricht, Radboudumc and MUMC+
Classification: Benign. Review status: no assertion criteria provided. Collection method: clinical testing. Allele origin: germline. Affected: yes. Study: VKGL Data-share Consensus. Not counted in ClinVar's aggregate classification.

Literature cited by the submitters: DOI 10.3389/fgene.2022.834265 (cited by National Health Laboratory Service, Universitas Academic Hospital and University of the Free State); PubMed 36329109 (cited by Genetics Program, Instituto Nacional de Cancer).